The following is an entry in ClinVar:

NM_017757.3(ZNF407):c.4584C>T (p.Asn1528=)

Gene: ZNF407 (zinc finger protein 407; plus strand). Cytogenetic location: 18q22.3.
Variant type: single nucleotide variant.
Coding change: c.4584C>T on transcript NM_017757.3 (MANE Select); coding-DNA position 4584, C replaced by T.
Protein change: p.Asn1528=; no amino-acid change (asparagine 1528 retained).
Molecular consequence: synonymous variant.
Genome position (GRCh38, 1-based): chr18:74,635,603, C>T. VCF-style: chr18-74635603-C-T. GRCh37 (hg19) VCF-style: chr18-72347559-C-T.
Other names: c.4584C>T, p.Asn1528= (NM_001146189.1, NM_001146190.1, NM_001384475.1).
Identifiers: ClinVar variation 3770797 (VCV003770797.13).

ClinVar aggregate classification (germline): Likely benign (1 of 4 stars; one submission).

gnomAD v4.1: 31 of 1,613,774 alleles (0.0019%); highest among the groups gnomAD compares: African/African-American, 0.019%; 1 homozygote.

Submission:

CeGaT Center for Human Genetics Tuebingen
Classification: Likely benign. Last evaluated: 2025-02-01. Review status: criteria provided, single submitter. Criteria: CeGaT Center For Human Genetics Tuebingen Variant Classification Criteria Version 2. Collection method: clinical testing. Allele origin: germline. Affected: yes. Observed: 1 variant allele.
Comment: ZNF407: BP4, BS2